The following is an entry in ClinVar:

ClinVar aggregate classification (germline): Likely benign. Review status: criteria provided, multiple submitters, no conflicts (2 of 4 stars). 2 submissions from 2 submitters: Likely benign (2). Last evaluated 2026-08-01.

Allele frequency attached by ClinVar (database versions not stated): ExAC 0.00004.
gnomAD v4.1: 59 of 1,614,100 alleles (0.0037%); highest among the groups gnomAD compares: Non-Finnish European, 0.0045%; no homozygotes.

Submissions (2):

CeGaT Center for Human Genetics Tuebingen
Classification: Likely benign. Last evaluated: 2026-08-01. Review status: criteria provided, single submitter. Criteria: CeGaT Center For Human Genetics Tuebingen Variant Classification Criteria Version 2. Collection method: clinical testing. Allele origin: germline. Affected: yes. Observed: 1 variant allele.
Comment: SERPIND1: BP4

Ambry Genetics
Classification: Likely benign. Last evaluated: 2021-08-16. Review status: criteria provided, single submitter. Criteria: Ambry Variant Classification Scheme 2023. Collection method: clinical testing. Allele origin: germline.

NM_000185.4(SERPIND1):c.71C>T (p.Pro24Leu)

Genes: PI4KA (phosphatidylinositol 4-kinase alpha; minus strand), SERPIND1 (serpin family D member 1; plus strand). Cytogenetic location: 22q11.21.
Variant type: single nucleotide variant.
Coding change: c.71C>T on transcript NM_000185.4 (MANE Select); coding-DNA position 71, C replaced by T.
Protein change: p.Pro24Leu; replaces proline 24 with leucine.
Molecular consequence: missense variant. On other transcripts: intron variant (3).
Genome position (GRCh38, 1-based): chr22:20,779,383, C>T. VCF-style: chr22-20779383-C-T. GRCh37 (hg19) VCF-style: chr22-21133671-C-T.
Other names: c.2263-13690G>A (NM_001362863.2); c.2329-13690G>A (NM_001362862.2, NM_058004.4); short protein forms P24L.
Identifiers: ClinVar variation 3160467 (VCV003160467.2), dbSNP rs749720054, ClinGen allele CA10115793.